The following is an entry in ClinVar:

ClinVar aggregate classification (germline): Pathogenic (1 of 4 stars; one submission).

Conditions:
Bloom syndrome (BLM). Also called: Bloom-Torre-Machacek syndrome. Identifiers: Orphanet 125, MedGen C0005859, MONDO:0008876, OMIM 210900.

Submission:

Labcorp Genetics (formerly Invitae), Labcorp
Classification: Pathogenic for Bloom syndrome. Last evaluated: 2023-10-24. Review status: criteria provided, single submitter. Criteria: Invitae Variant Classification Sherloc (09022015). Collection method: clinical testing. Allele origin: germline.
Comment: This variant is a gross deletion of the genomic region encompassing exon(s) 17 of the BLM gene. This deletion is out-of-frame, and is expected to create a premature termination codon and result in an absent or disrupted protein product. Loss-of-function variants in BLM are known to be pathogenic (PMID: 17407155). This variant has not been reported in the literature in individuals affected with BLM-related conditions. For these reasons, this variant has been classified as Pathogenic.

Literature cited by the submitters: PubMed 17407155.

NC_000015.9:g.(?_91341410)_(91341577_?)del

Gene: BLM (BLM RecQ like helicase; plus strand). Cytogenetic location: 15q26.1.
Variant type: Deletion.
Identifiers: ClinVar variation 1070009 (VCV001070009.8).